The following is an entry in ClinVar:

NM_014795.4(ZEB2):c.1770del (p.Pro591fs)

Gene: ZEB2 (zinc finger E-box binding homeobox 2; minus strand). Cytogenetic location: 2q22.3.
Variant type: Deletion.
Coding change: c.1770del on transcript NM_014795.4 (MANE Select); coding-DNA position 1770, one base deleted (T; older notation c.1770delT).
Protein change: p.Pro591fs; shifts the reading frame from proline 591.
Molecular consequence: frameshift variant.
Genome position (GRCh38, 1-based): chr2:144,399,417, A deleted on the plus strand (T on the coding strand, the reverse complement: ZEB2 is on the minus strand); the first of 4 consecutive A bases (chr2:144,399,417-144,399,420); deleting any one gives the same sequence. VCF-style (leftmost placement, unchanged base first): chr2-144399416-GA-G. GRCh37 (hg19) VCF-style: chr2-145156983-GA-G.
Other names: c.1698del, p.Pro567fs (NM_001171653.2); short protein forms P567fs, P591fs.
Identifiers: ClinVar variation 959337 (VCV000959337.3), dbSNP rs1703277223, ClinGen allele CA1139655627.

ClinVar aggregate classification (germline): Pathogenic (1 of 4 stars; one submission).

Conditions:
Mowat-Wilson syndrome (MOWS). Also called: Classic Mowat-Wilson Syndrome. Identifiers: Orphanet 2152, MedGen C1856113, MONDO:0009341, OMIM 235730.

Submission:

Labcorp Genetics (formerly Invitae), Labcorp
Classification: Pathogenic for Mowat-Wilson syndrome. Last evaluated: 2019-08-22. Review status: criteria provided, single submitter. Criteria: Invitae Variant Classification Sherloc (09022015). Collection method: clinical testing. Allele origin: germline.
Comment: This sequence change creates a premature translational stop signal (p.Pro591Leufs*16) in the ZEB2 gene. It is expected to result in an absent or disrupted protein product. This variant is not present in population databases (ExAC no frequency). This variant has not been reported in the literature in individuals with ZEB2-related conditions. Loss-of-function variants in ZEB2 are known to be pathogenic (PMID: 16053902). For these reasons, this variant has been classified as Pathogenic.

Literature cited by the submitters: PubMed 16053902.